The following is an entry in ClinVar:

NM_002485.5(NBN):c.1912del (p.Ser638fs)

Genes: NBN (nibrin; minus strand), LOC126860438 (MED14-independent group 3 enhancer GRCh37_chr8:90959982-90961181; plus strand). Cytogenetic location: 8q21.3.
Variant type: Deletion.
Coding change: c.1912del on transcript NM_002485.5 (MANE Select); coding-DNA position 1912, one base deleted (T; older notation c.1912delT).
Protein change: p.Ser638fs; shifts the reading frame from serine 638.
Molecular consequence: frameshift variant.
Genome position (GRCh38, 1-based): chr8:89,947,826, A deleted on the plus strand (T on the coding strand, the reverse complement: NBN is on the minus strand). VCF-style (leftmost placement, unchanged base first): chr8-89947825-GA-G. GRCh37 (hg19) VCF-style: chr8-90960053-GA-G.
Other names: c.1666del, p.Ser556fs (NM_001024688.3); short protein forms S638fs, S556fs.
Identifiers: ClinVar variation 2024535 (VCV002024535.4), dbSNP rs2488209131, ClinGen allele CA2580079043.
Genomic context (GRCh38, chr8:89,947,825, plus strand): 5'-GATGAGATGACAGTCCCCGTAAGCCAAATCTGTATAAAAATTAATAAAACGTTTCTCACA[GA>G]TATTTCTTTAGCTGACCATAGTGAGTCTTCCTTGAGTTCACGTTTCTTCCCAATTTCATT-3'

ClinVar aggregate classification (germline): Pathogenic (1 of 4 stars; one submission).

Conditions:
Microcephaly, normal intelligence and immunodeficiency (NBS). Also called: Immunodeficiency, microcephaly with normal intelligence; Ataxia telangiectasia variant V1; IMMUNODEFICIENCY, MICROCEPHALY, AND CHROMOSOMAL INSTABILITY; BERLIN BREAKAGE SYNDROME; SEEMANOVA SYNDROME II; Nijmegen breakage syndrome. Identifiers: Orphanet 647, MedGen C0398791, MONDO:0009623, OMIM 251260.

Submission:

Labcorp Genetics (formerly Invitae), Labcorp
Classification: Pathogenic for Microcephaly, normal intelligence and immunodeficiency. Last evaluated: 2022-08-18. Review status: criteria provided, single submitter. Criteria: Invitae Variant Classification Sherloc (09022015). Collection method: clinical testing. Allele origin: germline.
Comment: For these reasons, this variant has been classified as Pathogenic. This variant has not been reported in the literature in individuals affected with NBN-related conditions. This variant is not present in population databases (gnomAD no frequency). This sequence change creates a premature translational stop signal (p.Ser638Leufs*19) in the NBN gene. It is expected to result in an absent or disrupted protein product. Loss-of-function variants in NBN are known to be pathogenic (PMID: 9590180, 16415040).

Literature cited by the submitters: PubMed 9590180; PubMed 16415040.